The following is an entry in ClinVar:

ClinVar aggregate classification (germline): Uncertain significance (1 of 4 stars; one submission).

Allele frequency attached by ClinVar (database versions not stated): ExAC 0.00001; gnomAD 0.00001; gnomAD exomes 0.00001; TOPMed 0.00001.
gnomAD v4.1: 2 of 1,442,402 alleles (0.00014%); highest among the groups gnomAD compares: Admixed American, 0.0026%; no homozygotes.

Submission:

Labcorp Genetics (formerly Invitae), Labcorp
Classification: Uncertain significance. Last evaluated: 2022-07-12. Review status: criteria provided, single submitter. Criteria: Invitae Variant Classification Sherloc (09022015). Collection method: clinical testing. Allele origin: germline.
Comment: This sequence change replaces serine, which is neutral and polar, with cysteine, which is neutral and slightly polar, at codon 870 of the CCDC88A protein (p.Ser870Cys). The frequency data for this variant in the population databases is considered unreliable, as metrics indicate poor data quality at this position in the gnomAD database. This variant has not been reported in the literature in individuals affected with CCDC88A-related conditions. ClinVar contains an entry for this variant (Variation ID: 1426242). Algorithms developed to predict the effect of missense changes on protein structure and function (SIFT, PolyPhen-2, Align-GVGD) all suggest that this variant is likely to be tolerated. In summary, the available evidence is currently insufficient to determine the role of this variant in disease. Therefore, it has been classified as a Variant of Uncertain Significance.

NM_001365480.1(CCDC88A):c.2609C>G (p.Ser870Cys)

Gene: CCDC88A (coiled-coil domain containing 88A; minus strand). Cytogenetic location: 2p16.1.
Variant type: single nucleotide variant.
Coding change: c.2609C>G on transcript NM_001365480.1 (MANE Select); coding-DNA position 2609, C replaced by G.
Protein change: p.Ser870Cys; replaces serine 870 with cysteine.
Molecular consequence: missense variant.
Genome position (GRCh38, 1-based): chr2:55,334,212, G>C on the plus strand (C>G on the coding strand, the complement: CCDC88A is on the minus strand). VCF-style: chr2-55334212-G-C. GRCh37 (hg19) VCF-style: chr2-55561348-G-C.
Other names: c.2609C>G, p.Ser870Cys (NM_001135597.2, NM_001254943.2, NM_018084.5); short protein forms S870C.
Identifiers: ClinVar variation 1426242 (VCV001426242.3), dbSNP rs758300445, ClinGen allele CA1665961.